The following is an entry in ClinVar:

ClinVar aggregate classification (germline): Uncertain significance (0 of 4 stars; one submission).

Conditions:
EP300-related disorder. Also called: EP300-related condition; EP300-related disorders.

Submission:

PreventionGenetics, part of Exact Sciences
Classification: Uncertain significance for EP300-related condition. Last evaluated: 2024-06-12. Review status: no assertion criteria provided. Collection method: clinical testing. Allele origin: germline.
Comment: The EP300 c.2136G>C variant is predicted to result in the amino acid substitution p.Leu712Phe. To our knowledge, this variant has not been reported in the literature or in a large population database, indicating this variant is rare. At this time, the clinical significance of this variant is uncertain due to the absence of conclusive functional and genetic evidence.

NM_001429.4(EP300):c.2136G>C (p.Leu712Phe)

Gene: EP300 (E1A binding protein p300; plus strand). Cytogenetic location: 22q13.2.
Variant type: single nucleotide variant.
Coding change: c.2136G>C on transcript NM_001429.4 (MANE Select); coding-DNA position 2136, G replaced by C.
Protein change: p.Leu712Phe; replaces leucine 712 with phenylalanine.
Molecular consequence: missense variant.
Genome position (GRCh38, 1-based): chr22:41,147,841, G>C. VCF-style: chr22-41147841-G-C. GRCh37 (hg19) VCF-style: chr22-41543845-G-C.
Other names: c.2058G>C, p.Leu686Phe (NM_001362843.2); short protein forms L686F, L712F.
Identifiers: ClinVar variation 3346754 (VCV003346754.1).